The following is an entry in ClinVar:

ClinVar aggregate classification (germline): Pathogenic. Review status: reviewed by expert panel (3 of 4 stars). 2 submissions from 2 submitters: Pathogenic (1). 1 of the submissions does not count toward it. Last evaluated 2016-10-18.

Conditions:
Breast-ovarian cancer, familial, susceptibility to, 1 (BROVCA1). Also called: BRCA1 Hereditary Breast and Ovarian Cancer; OVARIAN CANCER, SUSCEPTIBILITY TO. Identifiers: Orphanet 145, MedGen C2676676, MONDO:0011450, OMIM 604370. Disease mechanism: loss of function.

Submissions (2):

Evidence-based Network for the Interpretation of Germline Mutant Alleles (ENIGMA)
Classification: Pathogenic for Breast-ovarian cancer, familial, susceptibility to, 1. Last evaluated: 2016-10-18. Review status: reviewed by expert panel. Criteria: ENIGMA BRCA1/2 Classification Criteria (2015). Collection method: curation. Allele origin: germline.
Comment: Variant allele predicted to encode a truncated non-functional protein.

Consortium of Investigators of Modifiers of BRCA1/2 (CIMBA), c/o University of Cambridge
Classification: Pathogenic for Breast-ovarian cancer, familial, susceptibility to, 1. Last evaluated: 2015-10-02. Review status: criteria provided, single submitter. Criteria: CIMBA Mutation Classification guidelines May 2016. Collection method: clinical testing. Allele origin: germline. Not counted in ClinVar's aggregate classification.

NM_007294.4(BRCA1):c.829_830del (p.Asn277fs)

Gene: BRCA1 (BRCA1 DNA repair associated; minus strand). Cytogenetic location: 17q21.31.
Variant type: Deletion.
Coding change: c.829_830del on transcript NM_007294.4 (MANE Select); coding-DNA positions 829 to 830, 2 bases deleted (AA; older notation c.829_830delAA).
Protein change: p.Asn277fs; shifts the reading frame from asparagine 277.
Molecular consequence: frameshift variant. On other transcripts: 5 prime UTR variant (2), intron variant (137).
Genome position (GRCh38, 1-based): chr17:43,094,701-43,094,702, TT deleted on the plus strand (AA on the coding strand, the reverse complement: BRCA1 is on the minus strand); deleting any 2 consecutive bases within chr17:43,094,701-43,094,703 gives the same sequence; the c. name uses the placement nearest the transcript's 3' end. VCF-style (leftmost placement, unchanged base first): chr17-43094700-ATT-A. GRCh37 (hg19) VCF-style: chr17-41246717-ATT-A.
Other names: 947 delAA; c.706_707del, p.Asn236fs (NM_001407681.1, NM_001407682.1, NM_001407683.1 and 19 more transcripts); c.829_830del, p.Asn277fs (NM_001407684.1, NM_001407854.1, NM_001407858.1 and 30 more transcripts); c.703_704del, p.Asn235fs (NM_001407685.1, NM_001407686.1, NM_001407687.1 and 11 more transcripts); c.688_689del, p.Asn230fs (NM_001407692.1, NM_001407694.1, NM_001407695.1 and 29 more transcripts); c.685_686del, p.Asn229fs (NM_001407740.1, NM_001407741.1, NM_001407742.1 and 20 more transcripts); c.616_617del, p.Asn206fs (NM_001407853.1, NM_001407894.1, NM_001407895.1 and 9 more transcripts); c.826_827del, p.Asn276fs (NM_001407860.1, NM_001407861.1, NM_001407587.1 and 22 more transcripts); and 42 more; short protein forms N230fs, N277fs, N109fs, N165fs, N166fs, N207fs, N210fs, N250fs.
Identifiers: ClinVar variation 266583 (VCV000266583.7), dbSNP rs886040323, ClinGen allele CA10589989.